The following is an entry in ClinVar:

NM_000138.5(FBN1):c.4336+1G>T

Genes: FBN1 (fibrillin 1; minus strand), LOC126862124 (CDK7 strongly-dependent group 2 enhancer GRCh37_chr15:48764566-48765765; plus strand). Cytogenetic location: 15q21.1.
Variant type: single nucleotide variant.
Coding change: c.4336+1G>T on transcript NM_000138.5 (MANE Select); the canonical splice donor site of the intron after coding-DNA position 4336, G replaced by T.
Molecular consequence: splice donor variant.
Genome position (GRCh38, 1-based): chr15:48,472,550, C>A on the plus strand (G>T on the coding strand, the complement: FBN1 is on the minus strand). VCF-style: chr15-48472550-C-A. GRCh37 (hg19) VCF-style: chr15-48764747-C-A.
Other names: c.4336+1G>T (NM_001406716.1).
Identifiers: ClinVar variation 1456344 (VCV001456344.6), dbSNP rs2141277821, ClinGen allele CA392317527.

ClinVar aggregate classification (germline): Pathogenic (1 of 4 stars; one submission).

Conditions:
Marfan syndrome (MFS). Also called: MARFAN SYNDROME, TYPE I; Marfan syndrome type 1; Marfan's syndrome; Marfan syndrome, classic; FBN1-Related Marfan Syndrome. Identifiers: Orphanet 284963, Orphanet 558, MedGen C0024796, MONDO:0007947, OMIM 154700.
Familial thoracic aortic aneurysm and aortic dissection (TAAD). Also called: Thoracic aortic aneurysms and dissections. Identifiers: Orphanet 91387, MedGen C4707243, MONDO:0019625.

Submission:

Labcorp Genetics (formerly Invitae), Labcorp
Classification: Pathogenic for Marfan syndrome; Familial thoracic aortic aneurysm and aortic dissection. Last evaluated: 2024-02-24. Review status: criteria provided, single submitter. Criteria: Invitae Variant Classification Sherloc (09022015). Collection method: clinical testing. Allele origin: germline.
Comment: This sequence change affects a donor splice site in intron 35 of the FBN1 gene. It is expected to disrupt RNA splicing. Variants that disrupt the donor or acceptor splice site typically lead to a loss of protein function (PMID: 16199547), and loss-of-function variants in FBN1 are known to be pathogenic (PMID: 17657824, 19293843). This variant is not present in population databases (gnomAD no frequency). Disruption of this splice site has been observed in individuals with Marfan syndrome (PMID: 16222657, 19293843). ClinVar contains an entry for this variant (Variation ID: 1456344). Algorithms developed to predict the effect of sequence changes on RNA splicing suggest that this variant may disrupt the consensus splice site. For these reasons, this variant has been classified as Pathogenic.

Literature cited by the submitters: PubMed 16199547; PubMed 17657824; PubMed 19293843; PubMed 16222657.